The following is an entry in ClinVar:

NM_032119.4(ADGRV1):c.12404-3T>C

Gene: ADGRV1 (adhesion G protein-coupled receptor V1; plus strand). Cytogenetic location: 5q14.3.
Variant type: single nucleotide variant.
Coding change: c.12404-3T>C on transcript NM_032119.4 (MANE Select); 3 bases into the intron before coding-DNA position 12404, T replaced by C.
Molecular consequence: intron variant.
Genome position (GRCh38, 1-based): chr5:90,776,450, T>C. VCF-style: chr5-90776450-T-C. GRCh37 (hg19) VCF-style: chr5-90072267-T-C.
Identifiers: ClinVar variation 4886698 (VCV004886698.2).

ClinVar aggregate classification (germline): Uncertain significance (1 of 4 stars; one submission).

gnomAD v4.1: 3 of 1,609,162 alleles (0.00019%); highest among the groups gnomAD compares: Admixed American, 0.0017%; no homozygotes.

Submission:

Dasa
Classification: Uncertain significance. Last evaluated: 2025-10-12. Review status: criteria provided, single submitter. Criteria: DASA Assertion Criteria. Collection method: clinical testing. Allele origin: germline.
Comment: NM_032119.4(ADGRV1):c.12404-3T>C is a splice-region variant. This variant is rare in population databases. Computational prediction algorithms are consistent with a benign effect. The currently available literature and clinical evidence are not sufficient to establish a definitive association between this variant and the reported condition. Therefore, this variant is classified as a variant of uncertain significance.